The following is an entry in ClinVar:

ClinVar aggregate classification (germline): Uncertain significance (1 of 4 stars; one submission).

Allele frequency attached by ClinVar (database versions not stated): gnomAD exomes below 0.00001; gnomAD 0.00001; TOPMed 0.00001.

Submission:

Labcorp Genetics (formerly Invitae), Labcorp
Classification: Uncertain significance. Last evaluated: 2023-06-09. Review status: criteria provided, single submitter. Criteria: Invitae Variant Classification Sherloc (09022015). Collection method: clinical testing. Allele origin: germline.
Comment: In summary, the available evidence is currently insufficient to determine the role of this variant in disease. Therefore, it has been classified as a Variant of Uncertain Significance. An algorithm developed to predict the effect of missense changes on protein structure and function (PolyPhen-2) suggests that this variant is likely to be tolerated. This variant has not been reported in the literature in individuals affected with SOX11-related conditions. This variant is present in population databases (no rsID available, gnomAD 0.007%). This sequence change replaces aspartic acid, which is acidic and polar, with glycine, which is neutral and non-polar, at codon 38 of the SOX11 protein (p.Asp38Gly).

NM_003108.4(SOX11):c.113A>G (p.Asp38Gly)

Gene: SOX11 (SRY-box transcription factor 11; plus strand). Cytogenetic location: 2p25.2.
Variant type: single nucleotide variant.
Coding change: c.113A>G on transcript NM_003108.4 (MANE Select); coding-DNA position 113, A replaced by G.
Protein change: p.Asp38Gly; replaces aspartic acid 38 with glycine.
Molecular consequence: missense variant.
Genome position (GRCh38, 1-based): chr2:5,692,834, A>G. VCF-style: chr2-5692834-A-G. GRCh37 (hg19) VCF-style: chr2-5832966-A-G.
Other names: short protein forms D38G.
Identifiers: ClinVar variation 2822621 (VCV002822621.3), dbSNP rs1476324230, ClinGen allele CA345865958.
Genomic context (GRCh38, chr2:5,692,834, plus strand): 5'-CGCTGGACACGGAGGAGGGCGAATTCATGGCTTGCAGCCCGGTGGCCCTGGACGAGAGCG[A>G]CCCAGACTGGTGCAAGACGGCGTCGGGCCACATCAAGCGGCCGATGAACGCGTTCATGGT-3'
Protein context (NP_003099.1, residues 28-48): ACSPVALDES[Asp38Gly]PDWCKTASGH